The following is an entry in ClinVar:

ClinVar aggregate classification (germline): Uncertain significance (1 of 4 stars; one submission).

Conditions:
Leber congenital amaurosis 2 (LCA2). Also called: AMAUROSIS CONGENITA OF LEBER II; Autosomal Recessive RPE65-Related Retinal Degeneration. Identifiers: Orphanet 65, MedGen C1859844, MONDO:0008765, OMIM 204100. Disease mechanism: loss of function.
Retinitis pigmentosa 20 (RP20). Identifiers: Orphanet 791, MedGen C3151086, MONDO:0013425, OMIM 613794.

gnomAD v4.1: 7 of 1,614,128 alleles (0.00043%); highest among the groups gnomAD compares: Non-Finnish European, 0.00042%; no homozygotes.

Submission:

Labcorp Genetics (formerly Invitae), Labcorp
Classification: Uncertain significance for Leber congenital amaurosis 2; Retinitis pigmentosa 20. Last evaluated: 2025-09-29. Review status: criteria provided, single submitter. Criteria: Invitae Variant Classification Sherloc (09022015). Collection method: clinical testing. Allele origin: germline.
Comment: This sequence change replaces isoleucine, which is neutral and non-polar, with valine, which is neutral and non-polar, at codon 100 of the RPE65 protein (p.Ile100Val). This variant is not present in population databases (gnomAD no frequency). This variant has not been reported in the literature in individuals affected with RPE65-related conditions. Invitae Evidence Modeling of protein sequence and biophysical properties (such as structural, functional, and spatial information, amino acid conservation, physicochemical variation, residue mobility, and thermodynamic stability) indicates that this missense variant is not expected to disrupt RPE65 protein function with a negative predictive value of 80%. In summary, the available evidence is currently insufficient to determine the role of this variant in disease. Therefore, it has been classified as a Variant of Uncertain Significance.

NM_000329.3(RPE65):c.298A>G (p.Ile100Val)

Gene: RPE65 (retinoid isomerohydrolase RPE65; minus strand). Cytogenetic location: 1p31.3.
Variant type: single nucleotide variant.
Coding change: c.298A>G on transcript NM_000329.3 (MANE Select); coding-DNA position 298, A replaced by G.
Protein change: p.Ile100Val; replaces isoleucine 100 with valine.
Molecular consequence: missense variant. On other transcripts: intron variant (1).
Genome position (GRCh38, 1-based): chr1:68,444,831, T>C on the plus strand (A>G on the coding strand, the complement: RPE65 is on the minus strand). VCF-style: chr1-68444831-T-C. GRCh37 (hg19) VCF-style: chr1-68910514-T-C.
Other names: c.22A>G, p.Ile8Val (NM_001406856.1, NM_001406857.1); c.298A>G, p.Ile100Val (NM_001406859.1, NM_001406860.1); c.246-159A>G (NM_001406853.1); short protein forms I8V, I100V.
Identifiers: ClinVar variation 4790780 (VCV004790780.1).